The following is an entry in ClinVar:

ClinVar aggregate classification (germline): Uncertain significance (1 of 4 stars; one submission).

Submission:

GeneDx
Classification: Uncertain significance. Last evaluated: 2025-11-18. Review status: criteria provided, single submitter. Criteria: GeneDx Variant Classification Process June 2021. Collection method: clinical testing. Allele origin: germline.
Comment: Not observed at significant frequency in large population cohorts (gnomAD); In silico analysis supports that this missense variant has a deleterious effect on protein structure/function; Has not been previously published as pathogenic or benign to our knowledge

NM_002069.6(GNAI1):c.626A>C (p.Lys209Thr)

Gene: GNAI1 (G protein subunit alpha i1; plus strand). Cytogenetic location: 7q21.11.
Variant type: single nucleotide variant.
Coding change: c.626A>C on transcript NM_002069.6 (MANE Select); coding-DNA position 626, A replaced by C.
Protein change: p.Lys209Thr; replaces lysine 209 with threonine.
Molecular consequence: missense variant.
Genome position (GRCh38, 1-based): chr7:80,211,004, A>C. VCF-style: chr7-80211004-A-C. GRCh37 (hg19) VCF-style: chr7-79840320-A-C.
Other names: c.470A>C, p.Lys157Thr (NM_001256414.2); short protein forms K157T, K209T.
Identifiers: ClinVar variation 3369485 (VCV003369485.2).